The following is an entry in ClinVar:

NM_001163809.2(WDR81):c.2167G>A (p.Glu723Lys)

Gene: WDR81 (WD repeat domain 81; plus strand). Cytogenetic location: 17p13.3.
Variant type: single nucleotide variant.
Coding change: c.2167G>A on transcript NM_001163809.2 (MANE Select); coding-DNA position 2167, G replaced by A.
Protein change: p.Glu723Lys; replaces glutamic acid 723 with lysine.
Molecular consequence: missense variant. On other transcripts: intron variant (3).
Genome position (GRCh38, 1-based): chr17:1,727,126, G>A. VCF-style: chr17-1727126-G-A. GRCh37 (hg19) VCF-style: chr17-1630420-G-A.
Other names: c.-123-864G>A (NM_152348.4); c.59-3254G>A (NM_001163673.2); c.-15+2340G>A (NM_001163811.2); short protein forms E723K.
Identifiers: ClinVar variation 977836 (VCV000977836.2), dbSNP rs987781704, ClinGen allele CA286873274.

ClinVar aggregate classification (germline): Uncertain significance. Review status: criteria provided, single submitter (1 of 4 stars). 2 submissions from 2 submitters: Uncertain significance (1). 1 of the submissions does not count toward it. Last evaluated 2025-07-10.

Conditions:
WDR81-related disorder. Also called: WDR81-related condition.
Cerebellar ataxia, impaired intellectual development, and dysequilibrium syndrome 2. Also called: CEREBELLAR ATAXIA, MENTAL RETARDATION, AND DYSEQUILIBRIUM SYNDROME 2; CEREBELLAR ATAXIA AND MENTAL RETARDATION WITH OR WITHOUT QUADRUPEDAL LOCOMOTION 2; Cerebellar ataxia, intellectual disability, and dysequilibrium syndrome 2. Identifiers: Orphanet 1766, MedGen C2750234, MONDO:0012430, OMIM 610185.

Allele frequency attached by ClinVar (database versions not stated): TOPMed 0.00003; gnomAD 0.00003.
gnomAD v4.1: 38 of 1,546,822 alleles (0.0025%); highest among the groups gnomAD compares: African/African-American, 0.0041%; no homozygotes.

Submissions (2):

PreventionGenetics, part of Exact Sciences
Classification: Uncertain significance for WDR81-related condition. Last evaluated: 2025-07-10. Review status: criteria provided, single submitter. Criteria: ACMG Guidelines, 2015. Collection method: clinical testing. Allele origin: germline.
Comment: The WDR81 c.2167G>A variant is predicted to result in the amino acid substitution p.Glu723Lys. To our knowledge, this variant has not been reported in the literature. This variant is reported in 0.0051% of alleles in individuals of European (Non-Finnish) descent in gnomAD. At this time, the clinical significance of this variant is uncertain due to the absence of conclusive functional and genetic evidence.

Service de Génétique Moléculaire, Hôpital Robert Debré
Classification: Likely benign for Cerebellar ataxia, impaired intellectual development, and dysequilibrium syndrome 2. Review status: no assertion criteria provided. Collection method: clinical testing. Allele origin: unknown. Affected: yes. Not counted in ClinVar's aggregate classification.